The following is an entry in ClinVar:

NM_032578.4(MYPN):c.1424T>C (p.Ile475Thr)

Gene: MYPN (myopalladin; plus strand). Cytogenetic location: 10q21.3.
Variant type: single nucleotide variant.
Coding change: c.1424T>C on transcript NM_032578.4 (MANE Select); coding-DNA position 1424, T replaced by C.
Protein change: p.Ile475Thr; replaces isoleucine 475 with threonine.
Molecular consequence: missense variant. On other transcripts: non-coding transcript variant (2).
Genome position (GRCh38, 1-based): chr10:68,158,592, T>C. VCF-style: chr10-68158592-T-C. GRCh37 (hg19) VCF-style: chr10-69918349-T-C.
Other names: c.542T>C, p.Ile181Thr (NM_001256268.2); c.1424T>C, p.Ile475Thr (NM_001256267.2); short protein forms I181T, I475T.
Identifiers: ClinVar variation 1401476 (VCV001401476.11), dbSNP rs754505802, ClinGen allele CA5522536.
Genomic context (GRCh38, chr10:68,158,592, plus strand): 5'-AATGCAGAGTAAAAGGAGCTCCATCTCCTAAGGTTGAGTGGTATAGAGAAGGGACTTTAA[T>C]AGAAGATTCTCCAGATTTTAGGATTTTACAGAAAAGTAAGTTAATACTTTAAATTATTTT-3'
Protein context (NP_115967.2, residues 465-485): KVEWYREGTL[Ile475Thr]EDSPDFRILQ

ClinVar aggregate classification (germline): Uncertain significance. Review status: criteria provided, multiple submitters, no conflicts (2 of 4 stars). 2 submissions from 2 submitters: Uncertain significance (2). Last evaluated 2025-06-09.

Conditions:
Cardiovascular phenotype. Identifiers: MedGen CN230736.
Dilated cardiomyopathy 1KK (CMD1KK). Identifiers: Orphanet 154, Orphanet 75249, MedGen C3714995, MONDO:0014100, OMIM 615248.

Allele frequency attached by ClinVar (database versions not stated): gnomAD exomes below 0.00001; TOPMed below 0.00001; ExAC 0.00001.
gnomAD v4.1: 2 of 1,599,480 alleles (0.00013%); highest among the groups gnomAD compares: Non-Finnish European, 0.00017%; no homozygotes.

Submissions (2):

Ambry Genetics
Classification: Uncertain significance for Cardiovascular phenotype. Last evaluated: 2025-06-09. Review status: criteria provided, single submitter. Criteria: Ambry Variant Classification Scheme 2023. Collection method: clinical testing. Allele origin: germline.
Comment: The p.I475T variant (also known as c.1424T>C), located in coding exon 6 of the MYPN gene, results from a T to C substitution at nucleotide position 1424. The isoleucine at codon 475 is replaced by threonine, an amino acid with similar properties. This amino acid position is highly conserved in available vertebrate species. In addition, this alteration is predicted to be deleterious by in silico analysis. Since supporting evidence is limited at this time, the clinical significance of this alteration remains unclear.

Labcorp Genetics (formerly Invitae), Labcorp
Classification: Uncertain significance for Dilated cardiomyopathy 1KK. Last evaluated: 2020-12-18. Review status: criteria provided, single submitter. Criteria: Invitae Variant Classification Sherloc (09022015). Collection method: clinical testing. Allele origin: germline.
Comment: In summary, the available evidence is currently insufficient to determine the role of this variant in disease. Therefore, it has been classified as a Variant of Uncertain Significance. Algorithms developed to predict the effect of missense changes on protein structure and function (SIFT, PolyPhen-2, Align-GVGD) all suggest that this variant is likely to be disruptive, but these predictions have not been confirmed by published functional studies and their clinical significance is uncertain. This variant has not been reported in the literature in individuals with MYPN-related conditions. This variant is present in population databases (rs754505802, ExAC 0.002%). This sequence change replaces isoleucine with threonine at codon 475 of the MYPN protein (p.Ile475Thr). The isoleucine residue is moderately conserved and there is a moderate physicochemical difference between isoleucine and threonine.